The following is an entry in ClinVar:

ClinVar aggregate classification (germline): Uncertain significance. Review status: criteria provided, multiple submitters, no conflicts (2 of 4 stars). 5 submissions from 5 submitters: Uncertain significance (5). Last evaluated 2026-01-18.

Conditions:
Inborn genetic diseases. Identifiers: MedGen C0950123, MeSH D030342.
Myopathy, proximal, and ophthalmoplegia (CMYO6). Also called: CONGENITAL MYOPATHY 6 WITH OPHTHALMOPLEGIA; INCLUSION BODY MYOPATHY 3, AUTOSOMAL DOMINANT; MYOPATHY WITH CONGENITAL JOINT CONTRACTURES, OPHTHALMOPLEGIA, AND RIMMED VACUOLES. Identifiers: Orphanet 363677, Orphanet 79091, MedGen C1854106, MONDO:0011577, OMIM 605637.

Allele frequency attached by ClinVar (database versions not stated): gnomAD exomes 0.00020 and 0.00039; gnomAD 0.00021 and 0.00022; TOPMed 0.00021; ExAC 0.00026.
gnomAD v4.1: 589 of 1,614,048 alleles (0.036%); highest among the groups gnomAD compares: Non-Finnish European, 0.048%; no homozygotes.

Submissions (5):

Labcorp Genetics (formerly Invitae), Labcorp
Classification: Uncertain significance for Myopathy, proximal, and ophthalmoplegia. Last evaluated: 2026-01-18. Review status: criteria provided, single submitter. Criteria: Invitae Variant Classification Sherloc (09022015). Collection method: clinical testing. Allele origin: germline.
Comment: This sequence change replaces arginine, which is basic and polar, with histidine, which is basic and polar, at codon 1481 of the MYH2 protein (p.Arg1481His). This variant is present in population databases (rs199751037, gnomAD 0.04%). This variant has not been reported in the literature in individuals affected with MYH2-related conditions. ClinVar contains an entry for this variant (Variation ID: 641606). Invitae Evidence Modeling of protein sequence and biophysical properties (such as structural, functional, and spatial information, amino acid conservation, physicochemical variation, residue mobility, and thermodynamic stability) indicates that this missense variant is expected to disrupt MYH2 protein function with a positive predictive value of 80%. In summary, the available evidence is currently insufficient to determine the role of this variant in disease. Therefore, it has been classified as a Variant of Uncertain Significance.

Ambry Genetics
Classification: Uncertain significance for Inborn genetic diseases. Last evaluated: 2025-04-15. Review status: criteria provided, single submitter. Criteria: Ambry Variant Classification Scheme 2023. Collection method: clinical testing. Allele origin: germline.

Revvity Omics, Revvity
Classification: Uncertain significance for Myopathy, proximal, and ophthalmoplegia. Last evaluated: 2024-09-05. Review status: criteria provided, single submitter. Criteria: ACMG Guidelines, 2015. Collection method: clinical testing. Allele origin: germline.

GeneDx
Classification: Uncertain significance. Last evaluated: 2024-05-12. Review status: criteria provided, single submitter. Criteria: GeneDx Variant Classification Process June 2021. Collection method: clinical testing. Allele origin: germline. Affected: yes.
Comment: In silico analysis supports that this missense variant has a deleterious effect on protein structure/function; Has not been previously published as pathogenic or benign to our knowledge

Human Genetics Bochum, Ruhr University Bochum
Classification: Uncertain significance for Myopathy, proximal, and ophthalmoplegia. Last evaluated: 2023-04-18. Review status: criteria provided, single submitter. Criteria: ACMG Guidelines, 2015. Collection method: clinical testing. Allele origin: germline. Affected: yes.
Comment: ACMG criteria used to clasify this variant: PP3_MOD

NM_017534.6(MYH2):c.4442G>A (p.Arg1481His)

Genes: MYH2 (myosin heavy chain 2; minus strand), MYHAS (myosin heavy chain gene cluster antisense RNA; plus strand), LOC126862500 (BRD4-independent group 4 enhancer GRCh37_chr17:10427829-10429028; plus strand). Cytogenetic location: 17p13.1.
Variant type: single nucleotide variant.
Coding change: c.4442G>A on transcript NM_017534.6 (MANE Select); coding-DNA position 4442, G replaced by A.
Protein change: p.Arg1481His; replaces arginine 1481 with histidine.
Molecular consequence: missense variant.
Genome position (GRCh38, 1-based): chr17:10,525,546, C>T on the plus strand (G>A on the coding strand, the complement: MYH2 is on the minus strand). VCF-style: chr17-10525546-C-T. GRCh37 (hg19) VCF-style: chr17-10428863-C-T.
Other names: c.4442G>A, p.Arg1481His (NM_001100112.2); c.4442G>A (NM_017534.5); short protein forms R1481H.
Identifiers: ClinVar variation 641606 (VCV000641606.14), dbSNP rs199751037, ClinGen allele CA8390625.